The following is an entry in ClinVar:

ClinVar aggregate classification (germline): Uncertain significance. Review status: criteria provided, multiple submitters, no conflicts (2 of 4 stars). 4 submissions from 4 submitters: Uncertain significance (4). Last evaluated 2022-09-05.

Conditions:
Autosomal recessive limb-girdle muscular dystrophy type 2A (LGMDR1). Also called: LEYDEN-MOEBIUS MUSCULAR DYSTROPHY; MUSCULAR DYSTROPHY, PELVOFEMORAL; Limb-girdle muscular dystrophy, type 2A; Calpainopathy; Muscular dystrophy, limb-girdle, type 2A, Amish. Identifiers: Orphanet 267, MedGen C1869123, MONDO:0009675, OMIM 253600. Disease mechanism: loss of function.

Allele frequency attached by ClinVar (database versions not stated): gnomAD 0.00001; gnomAD exomes 0.00001 and 0.00003; TOPMed 0.00003.
gnomAD v4.1: 58 of 1,613,854 alleles (0.0036%); highest among the groups gnomAD compares: Non-Finnish European, 0.0042%; no homozygotes.

Submissions (4):

Labcorp Genetics (formerly Invitae), Labcorp
Classification: Uncertain significance for Autosomal recessive limb-girdle muscular dystrophy type 2A. Last evaluated: 2022-09-05. Review status: criteria provided, single submitter. Criteria: Invitae Variant Classification Sherloc (09022015). Collection method: clinical testing. Allele origin: germline.
Comment: This sequence change replaces glycine, which is neutral and non-polar, with aspartic acid, which is acidic and polar, at codon 740 of the CAPN3 protein (p.Gly740Asp). This variant is present in population databases (rs750162858, gnomAD 0.0009%). This missense change has been observed in individual(s) with limb-girdle muscular dystrophy (PMID: 30564623). ClinVar contains an entry for this variant (Variation ID: 498936). Advanced modeling of protein sequence and biophysical properties (such as structural, functional, and spatial information, amino acid conservation, physicochemical variation, residue mobility, and thermodynamic stability) performed at Invitae indicates that this missense variant is expected to disrupt CAPN3 protein function. In summary, the available evidence is currently insufficient to determine the role of this variant in disease. Therefore, it has been classified as a Variant of Uncertain Significance.

Illumina Laboratory Services, Illumina
Classification: Uncertain significance for Autosomal recessive limb-girdle muscular dystrophy type 2A. Last evaluated: 2020-06-04. Review status: criteria provided, single submitter. Criteria: ICSLVariantClassificationCriteria RUGD 01 April 2020. Collection method: clinical testing. Allele origin: unknown.
Comment: The CAPN3 c.2219G>A (p.Gly740Asp) variant is a missense variant. A literature search was performed for the gene, cDNA change, and amino acid change. No publications were found based on this search. The variant is reported at a frequency of 0.000018 in the European (non-Finnish) population from the Genome Aggregation Database though this is based on two alleles in a region of good sequencing coverage, so the variant is presumed to be rare. Based on the limited evidence, the p.Gly740Asp variant is classified as a variant of uncertain significance for calpainopathy.

Revvity Omics, Revvity
Classification: Uncertain significance. Last evaluated: 2019-12-09. Review status: criteria provided, single submitter. Criteria: ACMG Guidelines, 2015. Collection method: clinical testing. Allele origin: germline.

Eurofins Ntd Llc (ga)
Classification: Uncertain significance. Last evaluated: 2016-12-07. Review status: criteria provided, single submitter. Criteria: EGL Classification Definitions 2015. Collection method: clinical testing. Allele origin: germline. Observed: 1 variant allele, 1 heterozygote.

Literature cited by the submitters: PubMed 30564623 (cited by Labcorp Genetics (formerly Invitae), Labcorp).

NM_000070.3(CAPN3):c.2219G>A (p.Gly740Asp)

Gene: CAPN3 (calpain 3; plus strand). Cytogenetic location: 15q15.1.
Variant type: single nucleotide variant.
Coding change: c.2219G>A on transcript NM_000070.3 (MANE Select); coding-DNA position 2219, G replaced by A.
Protein change: p.Gly740Asp; replaces glycine 740 with aspartic acid.
Molecular consequence: missense variant.
Genome position (GRCh38, 1-based): chr15:42,410,622, G>A. VCF-style: chr15-42410622-G-A. GRCh37 (hg19) VCF-style: chr15-42702820-G-A.
Other names: c.2201G>A, p.Gly734Asp (NM_024344.2); c.1943G>A, p.Gly648Asp (NM_173087.2); c.683G>A, p.Gly228Asp (NM_173088.2); c.224G>A, p.Gly75Asp (NM_173089.2, NM_173090.2); short protein forms G740D, G734D, G648D, G228D, G75D.
Identifiers: ClinVar variation 498936 (VCV000498936.13), dbSNP rs750162858, ClinGen allele CA269853659.
Genomic context (GRCh38, chr15:42,410,622, plus strand): 5'-TCCATCCTCAAATTTTCTATTGCCAGAAAATTTTCAAACACTATGACACAGACCAGTCCG[G>A]CACCATCAACAGCTACGAGATGCGAAATGCAGTCAACGACGCAGGTGCTGAGAAGGAAGG-3'
Protein context (NP_000061.1, residues 730-750): IFKHYDTDQS[Gly740Asp]TINSYEMRNA